The following is an entry in ClinVar:

ClinVar aggregate classification (germline): Uncertain significance. Review status: criteria provided, multiple submitters, no conflicts (2 of 4 stars). 2 submissions from 2 submitters: Uncertain significance (2). Last evaluated 2025-11-03.

Conditions:
Inborn genetic diseases. Identifiers: MedGen C0950123, MeSH D030342.
Neuronal ceroid lipofuscinosis. Also called: Neuronal Ceroid Lipofuscinoses. Identifiers: Orphanet 216, Orphanet 79263, MedGen C0027877, MONDO:0016295. Disease mechanism: loss of function.

Allele frequency attached by ClinVar (database versions not stated): TOPMed 0.00001; ExAC 0.00002; gnomAD exomes 0.00003 and 0.00010.
gnomAD v4.1: 137 of 1,614,056 alleles (0.0085%); highest among the groups gnomAD compares: Non-Finnish European, 0.011%; no homozygotes.

Submissions (2):

Labcorp Genetics (formerly Invitae), Labcorp
Classification: Uncertain significance for Neuronal ceroid lipofuscinosis. Last evaluated: 2025-11-03. Review status: criteria provided, single submitter. Criteria: Invitae Variant Classification Sherloc (09022015). Collection method: clinical testing. Allele origin: germline.
Comment: This sequence change replaces asparagine, which is neutral and polar, with serine, which is neutral and polar, at codon 130 of the DNAJC5 protein (p.Asn130Ser). This variant is present in population databases (rs761814066, gnomAD 0.005%). This variant has not been reported in the literature in individuals affected with DNAJC5-related conditions. ClinVar contains an entry for this variant (Variation ID: 853260). An algorithm developed to predict the effect of missense changes on protein structure and function (PolyPhen-2) suggests that this variant is likely to be tolerated. In summary, the available evidence is currently insufficient to determine the role of this variant in disease. Therefore, it has been classified as a Variant of Uncertain Significance.

Ambry Genetics
Classification: Uncertain significance for Inborn genetic diseases. Last evaluated: 2024-05-02. Review status: criteria provided, single submitter. Criteria: Ambry Variant Classification Scheme 2023. Collection method: clinical testing. Allele origin: germline.

NM_025219.3(DNAJC5):c.389A>G (p.Asn130Ser)

Gene: DNAJC5 (DnaJ heat shock protein family (Hsp40) member C5; plus strand). Cytogenetic location: 20q13.33.
Variant type: single nucleotide variant.
Coding change: c.389A>G on transcript NM_025219.3 (MANE Select); coding-DNA position 389, A replaced by G.
Protein change: p.Asn130Ser; replaces asparagine 130 with serine.
Molecular consequence: missense variant.
Genome position (GRCh38, 1-based): chr20:63,930,918, A>G. VCF-style: chr20-63930918-A-G. GRCh37 (hg19) VCF-style: chr20-62562271-A-G.
Other names: short protein forms N130S.
Identifiers: ClinVar variation 853260 (VCV000853260.12), dbSNP rs761814066, ClinGen allele CA9969737.
Genomic context (GRCh38, chr20:63,930,918, plus strand): 5'-TTGTCTTCTGCGGCCTCCTCACGTGCTGCTACTGCTGCTGCTGTCTGTGCTGCTGCTTCA[A>G]CTGCTGCTGCGGGAAGTGTAAGCCCAAGGCGCCTGAAGGCGAGGAGACGGAGTTCTACGT-3'
Protein context (NP_079495.1, residues 120-140): YCCCCLCCCF[Asn130Ser]CCCGKCKPKA